The following is an entry in ClinVar:

ClinVar aggregate classification (germline): Likely pathogenic. Review status: criteria provided, single submitter (1 of 4 stars). 2 submissions from 2 submitters: Likely pathogenic (1). 1 of the submissions does not count toward it. Last evaluated 2019-01-25.

Conditions:
Ankyloblepharon-ectodermal defects-cleft lip/palate syndrome. Also called: Ankyloblepharon-ectodermal defects, cleft lip/palate; HAY-WELLS SYNDROME; Ankyloblepharon-Ectodermal Defects-Cleft Lip/Palate Syndrome (AEC Syndrome); Hay-Wells syndrome of ectodermal dysplasia; AEC SYNDROME. Identifiers: Orphanet 1071, MedGen C0406709, MONDO:0007124, OMIM 106260.
TP63-Related Spectrum Disorders.

Submissions (2):

Labcorp Genetics (formerly Invitae), Labcorp
Classification: Likely pathogenic. Last evaluated: 2019-01-25. Review status: criteria provided, single submitter. Criteria: Invitae Variant Classification Sherloc (09022015). Collection method: clinical testing. Allele origin: germline.
Comment: In summary, the currently available evidence indicates that the variant is pathogenic, but additional data are needed to prove that conclusively. Therefore, this variant has been classified as Likely Pathogenic. This variant disrupts the p.Cys561 amino acid residue in TP63. Other variant(s) that disrupt this residue have been observed in individuals with TP63-related conditions (PMID:11159940, 19793345), which suggests that this may be a clinically significant amino acid residue. Algorithms developed to predict the effect of sequence changes on RNA splicing suggest that this variant may create or strengthen a splice site, but this prediction has not been confirmed by published transcriptional studies. This variant has been reported to affect TP63 protein function (PMID:21615690). This variant has been observed in an individual affected with¬†ankyloblepharon-ectodermal¬†dysplasia-clefting syndrome (PMID: 11159940). This variant is also known as c.1546T>G, p.Cys526Gly in the literature. ClinVar contains an entry for this variant (Variation ID: 6536). This variant is not present in population databases (ExAC no frequency). This sequence change replaces cysteine with glycine at codon 561 of the TP63 protein (p.Cys561Gly). The cysteine residue is highly conserved and there is a large physicochemical difference between cysteine and glycine.

OMIM
Classification: Pathogenic for ANKYLOBLEPHARON-ECTODERMAL DEFECTS-CLEFT LIP/PALATE. Last evaluated: 2001-02-01. Review status: no assertion criteria provided. Collection method: literature only. Allele origin: germline. Not counted in ClinVar's aggregate classification.

Literature cited by the submitters: PubMed 11159940 (cited by Labcorp Genetics (formerly Invitae), Labcorp and OMIM); PubMed 19793345 (cited by Labcorp Genetics (formerly Invitae), Labcorp); PubMed 21615690 (cited by Labcorp Genetics (formerly Invitae), Labcorp); PubMed 9774969 (cited by OMIM).

NM_003722.5(TP63):c.1681T>G (p.Cys561Gly)

Gene: TP63 (tumor protein p63; plus strand). Cytogenetic location: 3q28.
Variant type: single nucleotide variant.
Coding change: c.1681T>G on transcript NM_003722.5 (MANE Select); coding-DNA position 1681, T replaced by G.
Protein change: p.Cys561Gly; replaces cysteine 561 with glycine.
Molecular consequence: missense variant. On other transcripts: intron variant (6).
Genome position (GRCh38, 1-based): chr3:189,890,817, T>G. VCF-style: chr3-189890817-T-G. GRCh37 (hg19) VCF-style: chr3-189608606-T-G.
Other names: TP63, CYS522GLY; c.1399T>G, p.Cys467Gly (NM_001114980.2); c.1144T>G, p.Cys382Gly (NM_001329146.2); c.1669T>G, p.Cys557Gly (NM_001329148.2); c.1675T>G, p.Cys559Gly (NM_001329964.2); c.1652+1333T>G (NM_001114978.2); c.1508-3389T>G (NM_001329144.2); c.1370+1333T>G (NM_001114981.2); and 3 more; short protein forms C561G, C467G, C382G, C557G, C559G.
Identifiers: ClinVar variation 6536 (VCV000006536.7), dbSNP rs121908843, ClinGen allele CA253875.